The following is an entry in ClinVar:

ClinVar aggregate classification (germline): Pathogenic/Likely pathogenic. Review status: criteria provided, multiple submitters, no conflicts (2 of 4 stars). 3 submissions from 3 submitters: Pathogenic (1); Likely pathogenic (2). Last evaluated 2025-05-27.

Conditions:
COG6-congenital disorder of glycosylation. Also called: COG6-CGD; COG6-ongenital disorder of glycosylation; CONGENITAL DISORDER OF GLYCOSYLATION, TYPE IIl; CDG IIl. Identifiers: Orphanet 464443, MedGen C3553230, MONDO:0013810, OMIM 614576.

Submissions (3):

Variantyx, Inc.
Classification: Likely pathogenic for COG6-congenital disorder of glycosylation. Last evaluated: 2025-05-27. Review status: criteria provided, single submitter. Criteria: Variantyx Assertion Criteria 2022. Collection method: clinical testing. Allele origin: germline. Inheritance: Autosomal recessive inheritance. Affected: yes.
Comment: This is a frameshift variant in the COG6 gene (OMIM: 606977). Pathogenic variants in this gene have been associated with autosomal recessive congenital disorder of glycosylation type IIl . This variant introduces a premature termination codon in exon 6 out of 19 and is expected to result in loss of function, which is a known disease mechanism for COG6 in this disorder (PMID: 26260076) (PVS1). This variant has a 0.0017% maximum allele frequency in non-founder control populations (PM2). Based on the current evidence, this variant is classified as likely pathogenic for autosomal recessive congenital disorder of glycosylation type IIl .

Genetics and Genomic Medicine Centre, NeuroGen Healthcare, NeuroGen Healthcare
Classification: Likely pathogenic for COG6-congenital disorder of glycosylation. Last evaluated: 2022-02-12. Review status: criteria provided, single submitter. Criteria: Submitter's publication. Collection method: clinical testing. Allele origin: unknown. Affected: no.

GeneDx
Classification: Pathogenic. Last evaluated: 2021-07-14. Review status: criteria provided, single submitter. Criteria: GeneDx Variant Classification Process June 2021. Collection method: clinical testing. Allele origin: germline. Affected: yes.
Comment: Frameshift variant predicted to result in protein truncation or nonsense mediated decay in a gene for which loss-of-function is a known mechanism of disease; Not observed at significant frequency in large population cohorts (Lek et al., 2016); Has not been previously published as pathogenic or benign to our knowledge; This variant is associated with the following publications: (PMID: 27535533)

Literature cited by the submitters: PubMed 26260076 (cited by Variantyx, Inc.).

NM_020751.3(COG6):c.548dup (p.Lys184fs)

Gene: COG6 (component of oligomeric golgi complex 6; plus strand). Cytogenetic location: 13q14.11.
Variant type: Duplication.
Coding change: c.548dup on transcript NM_020751.3 (MANE Select); coding-DNA position 548, one base duplicated (T; older notation c.548dupT).
Protein change: p.Lys184fs; shifts the reading frame from lysine 184.
Molecular consequence: frameshift variant. On other transcripts: non-coding transcript variant (1).
Genome position (GRCh38, 1-based): chr13:39,679,545, T duplicated; the last of 6 consecutive T bases (chr13:39,679,540-39,679,545); duplicating any one gives the same sequence. VCF-style (leftmost placement, unchanged base first): chr13-39679539-A-AT. GRCh37 (hg19) VCF-style: chr13-40253676-A-AT.
Other names: c.548dup, p.Lys184fs (NM_001145079.2); short protein forms K184fs.
Identifiers: ClinVar variation 1253806 (VCV001253806.5), dbSNP rs781236436, ClinGen allele CA697991684.